The following is an entry in ClinVar:

ClinVar aggregate classification (germline): Uncertain significance (1 of 4 stars; one submission).

gnomAD v4.1: 1 of 1,614,130 alleles (0.000062%); no homozygotes.

Submission:

Labcorp Genetics (formerly Invitae), Labcorp
Classification: Uncertain significance. Last evaluated: 2024-10-09. Review status: criteria provided, single submitter. Criteria: Invitae Variant Classification Sherloc (09022015). Collection method: clinical testing. Allele origin: germline.
Comment: This sequence change replaces valine, which is neutral and non-polar, with isoleucine, which is neutral and non-polar, at codon 136 of the SLC1A2 protein (p.Val136Ile). This variant is not present in population databases (gnomAD no frequency). This variant has not been reported in the literature in individuals affected with SLC1A2-related conditions. Invitae Evidence Modeling of protein sequence and biophysical properties (such as structural, functional, and spatial information, amino acid conservation, physicochemical variation, residue mobility, and thermodynamic stability) indicates that this missense variant is not expected to disrupt SLC1A2 protein function with a negative predictive value of 80%. In summary, the available evidence is currently insufficient to determine the role of this variant in disease. Therefore, it has been classified as a Variant of Uncertain Significance.

NM_004171.4(SLC1A2):c.406G>A (p.Val136Ile)

Gene: SLC1A2 (solute carrier family 1 member 2; minus strand). Cytogenetic location: 11p13.
Variant type: single nucleotide variant.
Coding change: c.406G>A on transcript NM_004171.4 (MANE Select); coding-DNA position 406, G replaced by A.
Protein change: p.Val136Ile; replaces valine 136 with isoleucine.
Molecular consequence: missense variant.
Genome position (GRCh38, 1-based): chr11:35,312,353, C>T on the plus strand (G>A on the coding strand, the complement: SLC1A2 is on the minus strand). VCF-style: chr11-35312353-C-T. GRCh37 (hg19) VCF-style: chr11-35333900-C-T.
Other names: c.379G>A, p.Val127Ile (NM_001195728.3, NM_001252652.2); short protein forms V127I, V136I.
Identifiers: ClinVar variation 3714788 (VCV003714788.2).